The following is an entry in ClinVar:

ClinVar aggregate classification (germline): Uncertain significance. Review status: criteria provided, multiple submitters, no conflicts (2 of 4 stars). 3 submissions from 3 submitters: Uncertain significance (3). Last evaluated 2025-10-28.

Conditions:
Inborn genetic diseases. Identifiers: MedGen C0950123, MeSH D030342.

Allele frequency attached by ClinVar (database versions not stated): ExAC 0.00001; gnomAD 0.00001; gnomAD exomes 0.00001; TOPMed 0.00002.
gnomAD v4.1: 18 of 1,612,194 alleles (0.0011%); highest among the groups gnomAD compares: East Asian, 0.0022%; no homozygotes.

Submissions (3):

Ambry Genetics
Classification: Uncertain significance for Inborn genetic diseases. Last evaluated: 2025-10-28. Review status: criteria provided, single submitter. Criteria: Ambry Variant Classification Scheme 2023. Collection method: clinical testing. Allele origin: germline.

Labcorp Genetics (formerly Invitae), Labcorp
Classification: Uncertain significance. Last evaluated: 2025-10-06. Review status: criteria provided, single submitter. Criteria: Invitae Variant Classification Sherloc (09022015). Collection method: clinical testing. Allele origin: germline.
Comment: This sequence change replaces arginine, which is basic and polar, with tryptophan, which is neutral and slightly polar, at codon 289 of the ATP6V1A protein (p.Arg289Trp). This variant is present in population databases (rs757838961, gnomAD 0.006%). This variant has not been reported in the literature in individuals affected with ATP6V1A-related conditions. ClinVar contains an entry for this variant (Variation ID: 3007401). Invitae Evidence Modeling of protein sequence and biophysical properties (such as structural, functional, and spatial information, amino acid conservation, physicochemical variation, residue mobility, and thermodynamic stability) indicates that this missense variant is not expected to disrupt ATP6V1A protein function with a negative predictive value of 80%. In summary, the available evidence is currently insufficient to determine the role of this variant in disease. Therefore, it has been classified as a Variant of Uncertain Significance.

Blueprint Genetics
Classification: Uncertain significance. Last evaluated: 2023-07-06. Review status: criteria provided, single submitter. Criteria: ACMG Guidelines, 2015. Collection method: clinical testing. Allele origin: germline.

NM_001690.4(ATP6V1A):c.865C>T (p.Arg289Trp)

Gene: ATP6V1A (ATPase H+ transporting V1 subunit A; plus strand). Cytogenetic location: 3q13.31.
Variant type: single nucleotide variant.
Coding change: c.865C>T on transcript NM_001690.4 (MANE Select); coding-DNA position 865, C replaced by T.
Protein change: p.Arg289Trp; replaces arginine 289 with tryptophan.
Molecular consequence: missense variant.
Genome position (GRCh38, 1-based): chr3:113,788,861, C>T. VCF-style: chr3-113788861-C-T. GRCh37 (hg19) VCF-style: chr3-113507708-C-T.
Other names: c.865C>T (NM_001690.3); short protein forms R289W.
Identifiers: ClinVar variation 3007401 (VCV003007401.5), dbSNP rs757838961, ClinGen allele CA2547916.